The following is an entry in ClinVar:

ClinVar aggregate classification (germline): Likely benign. Review status: criteria provided, multiple submitters, no conflicts (2 of 4 stars). 2 submissions from 2 submitters: Likely benign (2). Last evaluated 2026-01-28.

Conditions:
Short-rib thoracic dysplasia 13 with or without polydactyly (SRTD13). Identifiers: Orphanet 474, MedGen C4225378, MONDO:0014577, OMIM 616300.

Allele frequency attached by ClinVar (database versions not stated): ExAC 0.00361; gnomAD 0.02666 and 0.02985.
gnomAD v4.1: 1,749 of 688,802 alleles (0.25%); highest among the groups gnomAD compares: African/African-American, 5.6%; 32 homozygotes.

Submissions (4):

Labcorp Genetics (formerly Invitae), Labcorp
Classification: Likely benign for Short-rib thoracic dysplasia 13 with or without polydactyly. Last evaluated: 2026-01-28. Review status: criteria provided, single submitter. Criteria: Invitae Variant Classification Sherloc (09022015). Collection method: clinical testing. Allele origin: germline.

Mayo Clinic Laboratories, Mayo Clinic
Classification: Likely benign. Last evaluated: 2025-10-15. Review status: criteria provided, single submitter. Criteria: ACMG Guidelines, 2015. Collection method: clinical testing. Allele origin: germline. Observed: 1 variant allele.
Comment: BP4, BP7, PM2_supporting

Dr. Peter K. Rogan Lab, Western University
No classification provided (evidence only). Condition: Uterine corpus endometrial carcinoma. Review status: no classification provided. Collection method: in vitro. Allele origin: not applicable. Functional consequence: retained intron. Not counted in ClinVar's aggregate classification.

Dr. Peter K. Rogan Lab, Western University
No classification provided (evidence only). Condition: Malignant tumor of esophagus. Review status: no classification provided. Collection method: in vitro. Allele origin: not applicable. Functional consequence: retained intron. Not counted in ClinVar's aggregate classification.

NM_001375405.1(CEP120):c.1431-8A>T

Gene: CEP120 (centrosomal protein 120; minus strand). Cytogenetic location: 5q23.2.
Variant type: single nucleotide variant.
Coding change: c.1431-8A>T on transcript NM_001375405.1 (MANE Select); 8 bases into the intron before coding-DNA position 1431, A replaced by T.
Molecular consequence: intron variant.
Genome position (GRCh38, 1-based): chr5:123,386,675, T>A on the plus strand (A>T on the coding strand, the complement: CEP120 is on the minus strand). VCF-style: chr5-123386675-T-A. GRCh37 (hg19) VCF-style: chr5-122722369-T-A.
Other names: p.?; c.1353-8A>T (NM_001166226.2); c.1431-8A>T (NM_153223.4, NM_001375407.1); c.858-8A>T (NM_001375408.1, NM_001375409.1); c.1296-8A>T (NM_001375406.1).
Identifiers: ClinVar variation 707501 (VCV000707501.12), dbSNP rs761915664, ClinGen allele CA3386967.